The following is an entry in ClinVar:

ClinVar aggregate classification (germline): Benign. Review status: criteria provided, multiple submitters, no conflicts (2 of 4 stars). 10 submissions from 10 submitters: Benign (6). 4 of the submissions do not count toward it. Last evaluated 2026-02-02.

Conditions:
Dilated cardiomyopathy 1JJ (CMD1JJ). Identifiers: Orphanet 154, MedGen C3808935, MONDO:0014095, OMIM 615235.
Cardiomyopathy (CMYO). Also called: Cardiomyopathies. Identifiers: Orphanet 167848, MedGen C0878544, MONDO:0004994, HP:0001638. Inheritance: Various modes of inheritance.

Allele frequency attached by ClinVar (database versions not stated): ESP Exome Variant Server 0.03598; ExAC 0.00962; 1000 Genomes Project 0.03155; gnomAD 0.03405 and 0.03167; TOPMed 0.03565; 1000 Genomes Project 30x 0.03670; gnomAD exomes 0.00320 and 0.00813.
gnomAD v4.1: 9,695 of 1,613,990 alleles (0.6%); highest among the groups gnomAD compares: African/African-American, 11%; 461 homozygotes.

Submissions (12):

Labcorp Genetics (formerly Invitae), Labcorp
Classification: Benign for Dilated cardiomyopathy 1JJ. Last evaluated: 2026-02-02. Review status: criteria provided, single submitter. Criteria: Invitae Variant Classification Sherloc (09022015). Collection method: clinical testing. Allele origin: germline.

Women's Health and Genetics/Laboratory Corporation of America, LabCorp
Classification: Benign. Last evaluated: 2023-08-19. Review status: criteria provided, single submitter. Criteria: LabCorp Variant Classification Summary - May 2015. Collection method: clinical testing. Allele origin: germline.

CHEO Genetics Diagnostic Laboratory, Children's Hospital of Eastern Ontario
Classification: Benign for Cardiomyopathy. Last evaluated: 2015-10-23. Review status: criteria provided, single submitter. Criteria: ACMG Guidelines, 2015. Collection method: clinical testing. Allele origin: germline. Study: Canadian Open Genetics Repository.

GeneDx
Classification: Benign. Last evaluated: 2014-03-07. Review status: criteria provided, single submitter. Criteria: GeneDx Variant Classification (06012015). Collection method: clinical testing. Allele origin: germline. Affected: yes.
Comment: This variant is considered likely benign or benign based on one or more of the following criteria: it is a conservative change, it occurs at a poorly conserved position in the protein, it is predicted to be benign by multiple in silico algorithms, and/or has population frequency not consistent with disease.

Laboratory for Molecular Medicine, Mass General Brigham Personalized Medicine
Classification: Benign. Last evaluated: 2011-12-09. Review status: criteria provided, single submitter. Criteria: LMM Criteria. Collection method: clinical testing. Allele origin: germline. Observed: 51 variant alleles.

PreventionGenetics, part of Exact Sciences
Classification: Benign. Review status: criteria provided, single submitter. Criteria: ACMG Guidelines, 2015. Collection method: clinical testing. Allele origin: germline.

Clinical Genetics DNA and cytogenetics Diagnostics Lab, Erasmus MC, Erasmus Medical Center
Classification: Benign. Review status: no assertion criteria provided. Collection method: clinical testing. Allele origin: germline. Affected: yes. Study: VKGL Data-share Consensus. Not counted in ClinVar's aggregate classification.

Clinical Genetics, Academic Medical Center
Classification: Benign. Review status: no assertion criteria provided. Collection method: clinical testing. Allele origin: germline. Affected: yes. Study: VKGL Data-share Consensus. Not counted in ClinVar's aggregate classification.

Diagnostic Laboratory, Department of Genetics, University Medical Center Groningen
Classification: Likely benign for Dilated cardiomyopathy 1JJ. Review status: no assertion criteria provided. Collection method: clinical testing. Allele origin: germline. Affected: yes. Study: VKGL Data-share Consensus. Not counted in ClinVar's aggregate classification.

Dr. Peter K. Rogan Lab, Western University
No classification provided (evidence only). Condition: Uterine corpus endometrial carcinoma. Review status: no classification provided. Collection method: in vitro. Allele origin: not applicable. Functional consequence: retained intron. Not counted in ClinVar's aggregate classification.

Dr. Peter K. Rogan Lab, Western University
No classification provided (evidence only). Condition: Uterine corpus endometrial carcinoma. Review status: no classification provided. Collection method: in vitro. Allele origin: not applicable. Functional consequence: retained intron. Not counted in ClinVar's aggregate classification.

Joint Genome Diagnostic Labs from Nijmegen and Maastricht, Radboudumc and MUMC+
Classification: Benign. Review status: no assertion criteria provided. Collection method: clinical testing. Allele origin: germline. Affected: yes. Study: VKGL Data-share Consensus. Not counted in ClinVar's aggregate classification.

NM_001105206.3(LAMA4):c.1190-8C>G

Gene: LAMA4 (laminin subunit alpha 4; minus strand). Cytogenetic location: 6q21.
Variant type: single nucleotide variant.
Coding change: c.1190-8C>G on transcript NM_001105206.3 (MANE Select); 8 bases into the intron before coding-DNA position 1190, C replaced by G.
Molecular consequence: intron variant.
Genome position (GRCh38, 1-based): chr6:112,175,488, G>C on the plus strand (C>G on the coding strand, the complement: LAMA4 is on the minus strand). VCF-style: chr6-112175488-G-C. GRCh37 (hg19) VCF-style: chr6-112496690-G-C.
Other names: c.1169-8C>G (NM_002290.5, NM_001105207.3).
Identifiers: ClinVar variation 44339 (VCV000044339.24), dbSNP rs73538515, ClinGen allele CA134000.